The following is an entry in ClinVar:

ClinVar aggregate classification (germline): Likely benign (1 of 4 stars; one submission).

Allele frequency attached by ClinVar (database versions not stated): gnomAD 0.00044; ESP Exome Variant Server 0.00046; TOPMed 0.00049; ExAC 0.00055; 1000 Genomes Project 30x 0.00094; 1000 Genomes Project 0.00120.
gnomAD v4.1: 753 of 1,604,222 alleles (0.047%); highest among the groups gnomAD compares: Middle Eastern, 0.27%; 3 homozygotes.

Submission:

CeGaT Center for Human Genetics Tuebingen
Classification: Likely benign. Last evaluated: 2022-11-01. Review status: criteria provided, single submitter. Criteria: CeGaT Center For Human Genetics Tuebingen Variant Classification Criteria Version 2. Collection method: clinical testing. Allele origin: germline. Affected: yes. Observed: 1 variant allele.
Comment: H1-4: BP4, BP7, BS1

NM_005321.3(H1-4):c.606G>A (p.Lys202=)

Gene: H1-4 (H1.4 linker histone, cluster member; plus strand). Cytogenetic location: 6p22.2.
Variant type: single nucleotide variant.
Coding change: c.606G>A on transcript NM_005321.3 (MANE Select); coding-DNA position 606, G replaced by A.
Protein change: p.Lys202=; no amino-acid change (lysine 202 retained).
Molecular consequence: synonymous variant.
Genome position (GRCh38, 1-based): chr6:26,156,996, G>A. VCF-style: chr6-26156996-G-A. GRCh37 (hg19) VCF-style: chr6-26157224-G-A.
Identifiers: ClinVar variation 2656307 (VCV002656307.24), dbSNP rs147799648, ClinGen allele CA3668243.